The following is an entry in ClinVar:

NM_017617.5(NOTCH1):c.6130G>T (p.Ala2044Ser)

Genes: NOTCH1 (notch receptor 1; minus strand), LOC126860794 (BRD4-independent group 4 enhancer GRCh37_chr9:139392592-139393791; plus strand). Cytogenetic location: 9q34.3.
Variant type: single nucleotide variant.
Coding change: c.6130G>T on transcript NM_017617.5 (MANE Select); coding-DNA position 6130, G replaced by T.
Protein change: p.Ala2044Ser; replaces alanine 2044 with serine.
Molecular consequence: missense variant.
Genome position (GRCh38, 1-based): chr9:136,498,949, C>A on the plus strand (G>T on the coding strand, the complement: NOTCH1 is on the minus strand). VCF-style: chr9-136498949-C-A. GRCh37 (hg19) VCF-style: chr9-139393401-C-A.
Other names: short protein forms A2044S.
Identifiers: ClinVar variation 2199331 (VCV002199331.4), dbSNP rs544856644, ClinGen allele CA375633953.

ClinVar aggregate classification (germline): Uncertain significance (1 of 4 stars; one submission).

Conditions:
Adams-Oliver syndrome 5 (AOS5). Identifiers: Orphanet 974, MedGen C4014970, MONDO:0014459, OMIM 616028.

gnomAD v4.1: 1 of 1,613,686 alleles (0.000062%); highest among the groups gnomAD compares: Non-Finnish European, 0.000085%; no homozygotes.

Submission:

Labcorp Genetics (formerly Invitae), Labcorp
Classification: Uncertain significance for Adams-Oliver syndrome 5. Last evaluated: 2022-08-31. Review status: criteria provided, single submitter. Criteria: Invitae Variant Classification Sherloc (09022015). Collection method: clinical testing. Allele origin: germline.
Comment: This sequence change replaces alanine, which is neutral and non-polar, with serine, which is neutral and polar, at codon 2044 of the NOTCH1 protein (p.Ala2044Ser). This variant is not present in population databases (gnomAD no frequency). This variant has not been reported in the literature in individuals affected with NOTCH1-related conditions. Advanced modeling of protein sequence and biophysical properties (such as structural, functional, and spatial information, amino acid conservation, physicochemical variation, residue mobility, and thermodynamic stability) performed at Invitae indicates that this missense variant is not expected to disrupt NOTCH1 protein function. In summary, the available evidence is currently insufficient to determine the role of this variant in disease. Therefore, it has been classified as a Variant of Uncertain Significance.